The following is an entry in ClinVar:

ClinVar aggregate classification (germline): Benign. Review status: criteria provided, multiple submitters, no conflicts (2 of 4 stars). 3 submissions from 3 submitters: Benign (3). Last evaluated 2026-01-19.

Conditions:
Atrioventricular septal defect 4 (AVSD4). Identifiers: MedGen C3280781, MONDO:0013747, OMIM 614430.

Allele frequency attached by ClinVar (database versions not stated): gnomAD exomes 0.33420; gnomAD 0.36715 and 0.37249; TOPMed 0.37114; 1000 Genomes Project 30x 0.46049; 1000 Genomes Project 0.46805.

Submissions (3):

Labcorp Genetics (formerly Invitae), Labcorp
Classification: Benign for Atrioventricular septal defect 4. Last evaluated: 2026-01-19. Review status: criteria provided, single submitter. Criteria: Invitae Variant Classification Sherloc (09022015). Collection method: clinical testing. Allele origin: germline.

GeneDx
Classification: Benign. Last evaluated: 2018-09-11. Review status: criteria provided, single submitter. Criteria: GeneDx Variant Classification Process June 2021. Collection method: clinical testing. Allele origin: germline. Affected: yes.
Comment: This variant is associated with the following publications: (PMID: 25928801)

Breakthrough Genomics
Classification: Benign. Review status: criteria provided, single submitter. Criteria: ACMG Guidelines, 2015. Collection method: not provided. Allele origin: germline. Inheritance: Autosomal dominant inheritance. Affected: yes.

NM_001308093.3(GATA4):c.1001-269G>T

Gene: GATA4 (GATA binding protein 4). Cytogenetic location: 8p23.1.
Variant type: single nucleotide variant.
Coding change: c.1001-269G>T on transcript NM_001308093.3 (MANE Select); 269 bases into the intron before coding-DNA position 1001, G replaced by T.
Molecular consequence: intron variant.
Genome position (GRCh38, 1-based): chr8:11,756,666, G>T. VCF-style: chr8-11756666-G-T. GRCh37 (hg19) VCF-style: chr8-11614175-G-T.
Other names: c.380-269G>T (NM_001308094.2, NM_001374273.1); c.998-269G>T (NM_002052.5); c.254-269G>T (NM_001374274.1).
Identifiers: ClinVar variation 1170150 (VCV001170150.10), dbSNP rs4841587, ClinGen allele CA12784292.